The following is an entry in ClinVar:

NM_016373.4(WWOX):c.30C>T (p.Asp10=)

Gene: WWOX (WW domain containing oxidoreductase; plus strand). Cytogenetic location: 16q23.1.
Variant type: single nucleotide variant.
Coding change: c.30C>T on transcript NM_016373.4 (MANE Select); coding-DNA position 30, C replaced by T.
Protein change: p.Asp10=; no amino-acid change (aspartic acid 10 retained).
Molecular consequence: synonymous variant. On other transcripts: 5 prime UTR variant (1), non-coding transcript variant (2).
Genome position (GRCh38, 1-based): chr16:78,099,808, C>T. VCF-style: chr16-78099808-C-T. GRCh37 (hg19) VCF-style: chr16-78133705-C-T.
Other names: c.30C>T (NM_016373.3); c.-245C>T (NM_001291997.2); c.30C>T, p.Asp10= (NM_130791.5).
Identifiers: ClinVar variation 1544829 (VCV001544829.10), dbSNP rs373146723, ClinGen allele CA8182979.

ClinVar aggregate classification (germline): Likely benign. Review status: criteria provided, single submitter (1 of 4 stars). 2 submissions from 2 submitters: Likely benign (1). 1 of the submissions does not count toward it. Last evaluated 2021-03-26.

Conditions:
WWOX-related disorder. Also called: WWOX-related condition.
Developmental and epileptic encephalopathy, 1 (DEE1). Also called: X-linked infantile spasms; West's syndrome; Tonic spasms with clustering, arrest of psychomotor development and hypsarrhythmia on EEG; X-Linked Infantile Spasm Syndrome; OHTAHARA SYNDROME, X-LINKED; Epileptic encephalopathy, early infantile, 1. Identifiers: MedGen C3463992, MONDO:0010632, OMIM 308350. Disease mechanism: loss of function.
Autosomal recessive spinocerebellar ataxia 12. Also called: SPINOCEREBELLAR ATAXIA WITH MENTAL RETARDATION AND EPILEPSY. Identifiers: Orphanet 284282, MedGen C3280452, MONDO:0013687, OMIM 614322.

Allele frequency attached by ClinVar (database versions not stated): TOPMed 0.00001; ExAC 0.00004; ESP Exome Variant Server 0.00008.
gnomAD v4.1: 21 of 1,574,556 alleles (0.0013%); highest among the groups gnomAD compares: Non-Finnish European, 0.0016%; no homozygotes.

Submissions (2):

Labcorp Genetics (formerly Invitae), Labcorp
Classification: Likely benign for Developmental and epileptic encephalopathy, 1; Autosomal recessive spinocerebellar ataxia 12. Last evaluated: 2021-03-26. Review status: criteria provided, single submitter. Criteria: Invitae Variant Classification Sherloc (09022015). Collection method: clinical testing. Allele origin: germline.

PreventionGenetics, part of Exact Sciences
Classification: Likely benign for WWOX-related condition. Last evaluated: 2019-05-02. Review status: no assertion criteria provided. Collection method: clinical testing. Allele origin: germline. Not counted in ClinVar's aggregate classification.
Comment: This variant is classified as likely benign based on ACMG/AMP sequence variant interpretation guidelines (Richards et al. 2015 PMID: 25741868, with internal and published modifications).